The following is an entry in ClinVar:

NM_015214.3(DDHD2):c.1910C>T (p.Thr637Ile)

Gene: DDHD2 (DDHD domain containing 2; plus strand). Cytogenetic location: 8p11.23.
Variant type: single nucleotide variant.
Coding change: c.1910C>T on transcript NM_015214.3 (MANE Select); coding-DNA position 1910, C replaced by T.
Protein change: p.Thr637Ile; replaces threonine 637 with isoleucine.
Molecular consequence: missense variant. On other transcripts: non-coding transcript variant (2).
Genome position (GRCh38, 1-based): chr8:38,253,574, C>T. VCF-style: chr8-38253574-C-T. GRCh37 (hg19) VCF-style: chr8-38111092-C-T.
Other names: c.1910C>T, p.Thr637Ile (NM_001164232.2, NM_001362911.2, NM_001362912.2 and 1 more transcripts); c.1820C>T, p.Thr607Ile (NM_001362913.2); short protein forms T637I, T607I.
Identifiers: ClinVar variation 1434124 (VCV001434124.6), dbSNP rs2130855471, ClinGen allele CA370696346.

ClinVar aggregate classification (germline): Uncertain significance (1 of 4 stars; one submission).

Conditions:
Hereditary spastic paraplegia 54. Also called: Spastic paraplegia 54, autosomal recessive. Identifiers: Orphanet 320380, MedGen C3539495, MONDO:0014018, OMIM 615033.

Allele frequency attached by ClinVar (database versions not stated): gnomAD exomes 0.00001.
gnomAD v4.1: 6 of 1,613,986 alleles (0.00037%); highest among the groups gnomAD compares: Non-Finnish European, 0.00051%; no homozygotes.

Submission:

Labcorp Genetics (formerly Invitae), Labcorp
Classification: Uncertain significance for Hereditary spastic paraplegia 54. Last evaluated: 2021-10-15. Review status: criteria provided, single submitter. Criteria: Invitae Variant Classification Sherloc (09022015). Collection method: clinical testing. Allele origin: germline.
Comment: In summary, the available evidence is currently insufficient to determine the role of this variant in disease. Therefore, it has been classified as a Variant of Uncertain Significance. Algorithms developed to predict the effect of missense changes on protein structure and function output the following: SIFT: "Tolerated"; PolyPhen-2: "Benign"; Align-GVGD: "Class C0". The isoleucine amino acid residue is found in multiple mammalian species, which suggests that this missense change does not adversely affect protein function. This variant has not been reported in the literature in individuals affected with DDHD2-related conditions. This variant is not present in population databases (ExAC no frequency). This sequence change replaces threonine with isoleucine at codon 637 of the DDHD2 protein (p.Thr637Ile). The threonine residue is weakly conserved and there is a moderate physicochemical difference between threonine and isoleucine.